The following is an entry in ClinVar:

ClinVar aggregate classification (germline): Uncertain significance (1 of 4 stars; one submission).

gnomAD v4.1: 24 of 1,614,098 alleles (0.0015%); highest among the groups gnomAD compares: Non-Finnish European, 0.0019%; no homozygotes.

Submission:

Labcorp Genetics (formerly Invitae), Labcorp
Classification: Uncertain significance. Last evaluated: 2025-03-11. Review status: criteria provided, single submitter. Criteria: Invitae Variant Classification Sherloc (09022015). Collection method: clinical testing. Allele origin: germline.
Comment: This sequence change replaces glutamine, which is neutral and polar, with glutamic acid, which is acidic and polar, at codon 418 of the HARS2 protein (p.Gln418Glu). This variant is not present in population databases (gnomAD no frequency). This missense change has been observed in individual(s) with clinical features of HARS2-related conditions (internal data). In at least one individual the data is consistent with being in trans (on the opposite chromosome) from a pathogenic variant. Invitae Evidence Modeling of protein sequence and biophysical properties (such as structural, functional, and spatial information, amino acid conservation, physicochemical variation, residue mobility, and thermodynamic stability) indicates that this missense variant is not expected to disrupt HARS2 protein function with a negative predictive value of 80%. In summary, the available evidence is currently insufficient to determine the role of this variant in disease. Therefore, it has been classified as a Variant of Uncertain Significance.

NM_012208.4(HARS2):c.1252C>G (p.Gln418Glu)

Gene: HARS2 (histidyl-tRNA synthetase 2, mitochondrial; plus strand). Cytogenetic location: 5q31.3.
Variant type: single nucleotide variant.
Coding change: c.1252C>G on transcript NM_012208.4 (MANE Select); coding-DNA position 1252, C replaced by G.
Protein change: p.Gln418Glu; replaces glutamine 418 with glutamic acid.
Molecular consequence: missense variant.
Genome position (GRCh38, 1-based): chr5:140,697,623, C>G. VCF-style: chr5-140697623-C-G. GRCh37 (hg19) VCF-style: chr5-140077208-C-G.
Other names: c.1177C>G, p.Gln393Glu (NM_001278731.2); c.820C>G, p.Gln274Glu (NM_001278732.2); c.1270C>G, p.Gln424Glu (NM_001363535.2); c.1042C>G, p.Gln348Glu (NM_001363536.2); short protein forms Q274E, Q393E, Q418E, Q348E, Q424E.
Identifiers: ClinVar variation 3689061 (VCV003689061.2).